The following is an entry in ClinVar:

ClinVar aggregate classification (germline): Uncertain significance (1 of 4 stars; one submission).

Conditions:
Hereditary cancer-predisposing syndrome. Also called: Neoplastic Syndromes, Hereditary; Tumor predisposition; Hereditary Cancer Syndrome; Hereditary neoplastic syndrome. Identifiers: Orphanet 140162, MedGen C0027672, MeSH D009386, MONDO:0015356.

Submission:

Ambry Genetics
Classification: Uncertain significance for Hereditary cancer-predisposing syndrome. Last evaluated: 2025-12-12. Review status: criteria provided, single submitter. Criteria: Ambry Variant Classification Scheme 2023. Collection method: clinical testing. Allele origin: germline.
Comment: The p.L120I variant (also known as c.358T>A), located in coding exon 3 of the NF2 gene, results from a T to A substitution at nucleotide position 358. The leucine at codon 120 is replaced by isoleucine, an amino acid with highly similar properties. This amino acid position is conserved. In addition, the in silico prediction for this alteration is inconclusive. Based on the available evidence, the clinical significance of this variant remains unclear.

NM_000268.4(NF2):c.358T>A (p.Leu120Ile)

Gene: NF2 (NF2, moesin-ezrin-radixin like (MERLIN) tumor suppressor; plus strand). Cytogenetic location: 22q12.2.
Variant type: single nucleotide variant.
Coding change: c.358T>A on transcript NM_000268.4 (MANE Select); coding-DNA position 358, T replaced by A.
Protein change: p.Leu120Ile; replaces leucine 120 with isoleucine.
Molecular consequence: missense variant. On other transcripts: 5 prime UTR variant (1), intron variant (8).
Genome position (GRCh38, 1-based): chr22:29,639,207, T>A. VCF-style: chr22-29639207-T-A. GRCh37 (hg19) VCF-style: chr22-30035196-T-A.
Other names: c.244T>A, p.Leu82Ile (NM_001407053.1, NM_001407056.1); c.232T>A, p.Leu78Ile (NM_001407055.1, NM_181828.3); c.358T>A, p.Leu120Ile (NM_001407057.1, NM_001407059.1, NM_001407060.1 and 5 more transcripts); c.-283T>A (NM_001407065.1); c.127T>A, p.Leu43Ile (NM_001407067.1); c.240+2331T>A (NM_001407058.1, NM_181829.3, NM_001407054.1 and 1 more transcripts); c.115-2995T>A (NM_001407063.1, NM_181830.3, NM_001407064.1 and 1 more transcripts); short protein forms L43I, L82I, L120I, L78I.
Identifiers: ClinVar variation 4661673 (VCV004661673.1).
Genomic context (GRCh38, chr22:29,639,207, plus strand): 5'-TTTTATCCTGAGAATGCTGAAGAGGAGCTGGTTCAGGAGATCACACAACATTTATTCTTC[T>A]TACAGGTACATCAGTCAAGGCTACCCCCCAGTTCTGAGAGAACTTGCCCAGGAGTGGTTG-3'
Protein context (NP_000259.1, residues 110-130): VQEITQHLFF[Leu120Ile]QVKKQILDEK